The following is an entry in ClinVar:

ClinVar aggregate classification (germline): Uncertain significance. Review status: criteria provided, multiple submitters, no conflicts (2 of 4 stars). 2 submissions from 2 submitters: Uncertain significance (2). Last evaluated 2023-10-03.

Conditions:
Fucosidosis. Also called: ALPHA-L-FUCOSIDASE DEFICIENCY. Identifiers: Orphanet 349, MedGen C0016788, MONDO:0009254, OMIM 230000.

Allele frequency attached by ClinVar (database versions not stated): TOPMed 0.00003.
gnomAD v4.1: 222 of 1,614,014 alleles (0.014%); highest among the groups gnomAD compares: Non-Finnish European, 0.019%; no homozygotes.

Submissions (2):

Labcorp Genetics (formerly Invitae), Labcorp
Classification: Uncertain significance for Fucosidosis. Last evaluated: 2023-10-03. Review status: criteria provided, single submitter. Criteria: Invitae Variant Classification Sherloc (09022015). Collection method: clinical testing. Allele origin: germline.
Comment: This sequence change replaces glutamic acid, which is acidic and polar, with glutamine, which is neutral and polar, at codon 380 of the FUCA1 protein (p.Glu380Gln). This variant is present in population databases (rs80358195, gnomAD 0.009%). This variant has not been reported in the literature in individuals affected with FUCA1-related conditions. ClinVar contains an entry for this variant (Variation ID: 962530). Advanced modeling of protein sequence and biophysical properties (such as structural, functional, and spatial information, amino acid conservation, physicochemical variation, residue mobility, and thermodynamic stability) performed at Invitae indicates that this missense variant is not expected to disrupt FUCA1 protein function. In summary, the available evidence is currently insufficient to determine the role of this variant in disease. Therefore, it has been classified as a Variant of Uncertain Significance.

Fulgent Genetics
Classification: Uncertain significance for Fucosidosis. Last evaluated: 2022-02-08. Review status: criteria provided, single submitter. Criteria: ACMG Guidelines, 2015. Collection method: clinical testing. Allele origin: unknown.

NM_000147.5(FUCA1):c.1138G>C (p.Glu380Gln)

Gene: FUCA1 (alpha-L-fucosidase 1; minus strand). Cytogenetic location: 1p36.11.
Variant type: single nucleotide variant.
Coding change: c.1138G>C on transcript NM_000147.5 (MANE Select); coding-DNA position 1138, G replaced by C.
Protein change: p.Glu380Gln; replaces glutamic acid 380 with glutamine.
Molecular consequence: missense variant.
Genome position (GRCh38, 1-based): chr1:23,848,671, C>G on the plus strand (G>C on the coding strand, the complement: FUCA1 is on the minus strand). VCF-style: chr1-23848671-C-G. GRCh37 (hg19) VCF-style: chr1-24175161-C-G.
Other names: short protein forms E380Q.
Identifiers: ClinVar variation 962530 (VCV000962530.8), dbSNP rs80358195, ClinGen allele CA686351.